The following is an entry in ClinVar:

ClinVar aggregate classification (germline): Uncertain significance. Review status: criteria provided, multiple submitters, no conflicts (2 of 4 stars). 3 submissions from 3 submitters: Uncertain significance (3). Last evaluated 2025-01-06.

Conditions:
Retinal dystrophy. Also called: Inherited retinal dystrophy. Identifiers: Orphanet 71862, MedGen C0854723, MeSH D058499, MONDO:0019118, HP:0000556.

Allele frequency attached by ClinVar (database versions not stated): ExAC 0.00002; gnomAD exomes 0.00002; TOPMed 0.00002; gnomAD 0.00006.
gnomAD v4.1: 32 of 1,614,198 alleles (0.002%); highest among the groups gnomAD compares: East Asian, 0.013%; no homozygotes.

Submissions (3):

Labcorp Genetics (formerly Invitae), Labcorp
Classification: Uncertain significance. Last evaluated: 2025-01-06. Review status: criteria provided, single submitter. Criteria: Invitae Variant Classification Sherloc (09022015). Collection method: clinical testing. Allele origin: germline.
Comment: This sequence change replaces arginine, which is basic and polar, with glutamine, which is neutral and polar, at codon 556 of the SLC7A14 protein (p.Arg556Gln). This variant is present in population databases (rs767484956, gnomAD 0.01%). This variant has not been reported in the literature in individuals affected with SLC7A14-related conditions. ClinVar contains an entry for this variant (Variation ID: 959012). An algorithm developed to predict the effect of missense changes on protein structure and function (PolyPhen-2) suggests that this variant is likely to be tolerated. In summary, the available evidence is currently insufficient to determine the role of this variant in disease. Therefore, it has been classified as a Variant of Uncertain Significance.

Dept Of Ophthalmology, Nagoya University
Classification: Uncertain significance for Retinal dystrophy. Last evaluated: 2023-10-01. Review status: criteria provided, single submitter. Criteria: Submitter's publication. Collection method: research. Allele origin: germline. Affected: yes.

Blueprint Genetics
Classification: Uncertain significance. Last evaluated: 2022-07-27. Review status: criteria provided, single submitter. Criteria: ACMG Guidelines, 2015. Collection method: clinical testing. Allele origin: germline.

NM_020949.3(SLC7A14):c.1667G>A (p.Arg556Gln)

Genes: SLC7A14 (solute carrier family 7 member 14; minus strand), SLC7A14-AS1 (SLC7A14 antisense RNA 1; plus strand). Cytogenetic location: 3q26.2.
Variant type: single nucleotide variant.
Coding change: c.1667G>A on transcript NM_020949.3 (MANE Select); coding-DNA position 1667, G replaced by A.
Protein change: p.Arg556Gln; replaces arginine 556 with glutamine.
Molecular consequence: missense variant.
Genome position (GRCh38, 1-based): chr3:170,480,615, C>T on the plus strand (G>A on the coding strand, the complement: SLC7A14 is on the minus strand). VCF-style: chr3-170480615-C-T. GRCh37 (hg19) VCF-style: chr3-170198404-C-T.
Other names: short protein forms R556Q.
Identifiers: ClinVar variation 959012 (VCV000959012.11), dbSNP rs767484956, ClinGen allele CA2701589.